The following is an entry in ClinVar:

NM_014384.3(ACAD8):c.384G>A (p.Met128Ile)

Gene: ACAD8 (acyl-CoA dehydrogenase family member 8; plus strand). Cytogenetic location: 11q25.
Variant type: single nucleotide variant.
Coding change: c.384G>A on transcript NM_014384.3 (MANE Select); coding-DNA position 384, G replaced by A.
Protein change: p.Met128Ile; replaces methionine 128 with isoleucine.
Molecular consequence: missense variant.
Genome position (GRCh38, 1-based): chr11:134,258,518, G>A. VCF-style: chr11-134258518-G-A. GRCh37 (hg19) VCF-style: chr11-134128412-G-A.
Identifiers: ClinVar variation 95585 (VCV000095585.17), dbSNP rs374317179, ClinGen allele CA223117.

ClinVar aggregate classification (germline): Pathogenic/Likely pathogenic. Review status: criteria provided, multiple submitters, no conflicts (2 of 4 stars). 3 submissions from 3 submitters: Pathogenic (2); Likely pathogenic (1). Last evaluated 2026-07-20.

Conditions:
Deficiency of isobutyryl-CoA dehydrogenase. Also called: ACYL-CoA DEHYDROGENASE FAMILY, MEMBER 8, DEFICIENCY OF; ACAD8 DEFICIENCY; IBD DEFICIENCY. Identifiers: Orphanet 79159, MedGen C1969809, MONDO:0012648, OMIM 611283.

Allele frequency attached by ClinVar (database versions not stated): gnomAD exomes 0.00004 and 0.00001; TOPMed 0.00012; 1000 Genomes Project 30x 0.00047; ExAC 0.00006; ESP Exome Variant Server 0.00015; 1000 Genomes Project 0.00040; gnomAD 0.00013 and 0.00014.

Submissions (3):

GeneDx
Classification: Likely pathogenic. Last evaluated: 2026-07-20. Review status: criteria provided, single submitter. Criteria: GeneDx Variant Classification Process June 2021. Collection method: clinical testing. Allele origin: germline.
Comment: In silico analysis supports that this missense variant has a deleterious effect on protein structure/function; This variant is associated with the following publications: (PMID: 31813752)

Labcorp Genetics (formerly Invitae), Labcorp
Classification: Pathogenic for Deficiency of isobutyryl-CoA dehydrogenase. Last evaluated: 2025-02-03. Review status: criteria provided, single submitter. Criteria: Invitae Variant Classification Sherloc (09022015). Collection method: clinical testing. Allele origin: germline.
Comment: This sequence change replaces methionine, which is neutral and non-polar, with isoleucine, which is neutral and non-polar, at codon 128 of the ACAD8 protein (p.Met128Ile). This variant is present in population databases (rs374317179, gnomAD 0.08%). This missense change has been observed in individual(s) with clinical features of ACAD8-related conditions and/or isobutyryl-CoA dehydrogenase deficiency (PMID: 15505379, 16857760, 31813752; internal data). ClinVar contains an entry for this variant (Variation ID: 95585). Invitae Evidence Modeling of protein sequence and biophysical properties (such as structural, functional, and spatial information, amino acid conservation, physicochemical variation, residue mobility, and thermodynamic stability) has been performed for this missense variant. However, the output from this modeling did not meet the statistical confidence thresholds required to predict the impact of this variant on ACAD8 protein function. For these reasons, this variant has been classified as Pathogenic.

Eurofins Ntd Llc (ga)
Classification: Pathogenic. Last evaluated: 2016-08-18. Review status: criteria provided, single submitter. Criteria: EGL Classification Definitions. Collection method: clinical testing. Allele origin: germline. Observed: 5 variant alleles, 3 heterozygotes, 2 homozygotes.

Literature cited by the submitters: PubMed 15505379 (cited by Labcorp Genetics (formerly Invitae), Labcorp); PubMed 16857760 (cited by Labcorp Genetics (formerly Invitae), Labcorp); PubMed 31813752 (cited by Labcorp Genetics (formerly Invitae), Labcorp).